The following is an entry in ClinVar:

NM_001142800.2(EYS):c.6281G>A (p.Ser2094Asn)

Gene: EYS (EGF-like photoreceptor maintenance factor; minus strand). Cytogenetic location: 6q12.
Variant type: single nucleotide variant.
Coding change: c.6281G>A on transcript NM_001142800.2 (MANE Select); coding-DNA position 6281, G replaced by A.
Protein change: p.Ser2094Asn; replaces serine 2094 with asparagine.
Molecular consequence: missense variant.
Genome position (GRCh38, 1-based): chr6:64,230,735, C>T on the plus strand (G>A on the coding strand, the complement: EYS is on the minus strand). VCF-style: chr6-64230735-C-T. GRCh37 (hg19) VCF-style: chr6-64940628-C-T.
Other names: c.6281G>A, p.Ser2094Asn (NM_001292009.2); short protein forms S2094N.
Identifiers: ClinVar variation 1482003 (VCV001482003.6), dbSNP rs2150338023, ClinGen allele CA364391447.

ClinVar aggregate classification (germline): Uncertain significance (1 of 4 stars; one submission).

Submission:

Labcorp Genetics (formerly Invitae), Labcorp
Classification: Uncertain significance. Last evaluated: 2022-07-19. Review status: criteria provided, single submitter. Criteria: Invitae Variant Classification Sherloc (09022015). Collection method: clinical testing. Allele origin: germline.
Comment: This variant has not been reported in the literature in individuals affected with EYS-related conditions. This variant is not present in population databases (gnomAD no frequency). This sequence change replaces serine, which is neutral and polar, with asparagine, which is neutral and polar, at codon 2094 of the EYS protein (p.Ser2094Asn). Algorithms developed to predict the effect of missense changes on protein structure and function output the following: SIFT: "Tolerated"; PolyPhen-2: "Benign"; Align-GVGD: "Class C0". The asparagine amino acid residue is found in multiple mammalian species, which suggests that this missense change does not adversely affect protein function. ClinVar contains an entry for this variant (Variation ID: 1482003). In summary, the available evidence is currently insufficient to determine the role of this variant in disease. Therefore, it has been classified as a Variant of Uncertain Significance.